The following is an entry in ClinVar:

ClinVar aggregate classification (germline): Benign. Review status: criteria provided, multiple submitters, no conflicts (2 of 4 stars). 2 submissions from 2 submitters: Benign (2). Last evaluated 2018-06-19.

Allele frequency attached by ClinVar (database versions not stated): gnomAD 0.21859 and 0.22935; TOPMed 0.24352; 1000 Genomes Project 0.24874; 1000 Genomes Project 30x 0.25682.
gnomAD v4.1: 24,398 of 112,107 alleles (22%); highest among the groups gnomAD compares: African/African-American, 66%; 5,033 homozygotes.

Submissions (2):

GeneDx
Classification: Benign. Last evaluated: 2018-06-19. Review status: criteria provided, single submitter. Criteria: GeneDx Variant Classification (06012015). Collection method: clinical testing. Allele origin: germline. Affected: yes.
Comment: This variant is considered likely benign or benign based on one or more of the following criteria: it is a conservative change, it occurs at a poorly conserved position in the protein, it is predicted to be benign by multiple in silico algorithms, and/or has population frequency not consistent with disease.

Breakthrough Genomics
Classification: Benign. Review status: criteria provided, single submitter. Criteria: ACMG Guidelines, 2015. Collection method: not provided. Allele origin: germline. Inheritance: X-linked inheritance. Affected: yes.

NM_000284.4(PDHA1):c.511-178G>C

Gene: PDHA1 (pyruvate dehydrogenase E1 subunit alpha 1; plus strand). Cytogenetic location: Xp22.12.
Variant type: single nucleotide variant.
Coding change: c.511-178G>C on transcript NM_000284.4 (MANE Select); 178 bases into the intron before coding-DNA position 511, G replaced by C.
Molecular consequence: intron variant.
Genome position (GRCh38, 1-based): chrX:19,354,313, G>C. VCF-style: chrX-19354313-G-C. GRCh37 (hg19) VCF-style: chrX-19372431-G-C.
Other names: c.625-178G>C (NM_001173454.2); c.532-178G>C (NM_001173455.2); c.511-1036G>C (NM_001173456.2).
Identifiers: ClinVar variation 683399 (VCV000683399.2), dbSNP rs66727455, ClinGen allele CA327026436.